The following is an entry in ClinVar:

NM_007186.6(CEP250):c.2548G>A (p.Ala850Thr)

Genes: CEP250 (centrosomal protein 250; plus strand), CEP250-AS1 (CEP250 antisense RNA 1; minus strand). Cytogenetic location: 20q11.22.
Variant type: single nucleotide variant.
Coding change: c.2548G>A on transcript NM_007186.6 (MANE Select); coding-DNA position 2548, G replaced by A.
Protein change: p.Ala850Thr; replaces alanine 850 with threonine.
Molecular consequence: missense variant.
Genome position (GRCh38, 1-based): chr20:35,480,107, G>A. VCF-style: chr20-35480107-G-A. GRCh37 (hg19) VCF-style: chr20-34067932-G-A.
Other names: c.652G>A, p.Ala218Thr (NM_001318219.1); short protein forms A850T, A218T.
Identifiers: ClinVar variation 836414 (VCV000836414.8), dbSNP rs2063303331, ClinGen allele CA408770018.

ClinVar aggregate classification (germline): Uncertain significance (1 of 4 stars; one submission).

Submission:

Labcorp Genetics (formerly Invitae), Labcorp
Classification: Uncertain significance. Last evaluated: 2019-12-14. Review status: criteria provided, single submitter. Criteria: Invitae Variant Classification Sherloc (09022015). Collection method: clinical testing. Allele origin: germline.
Comment: This sequence change replaces alanine with threonine at codon 850 of the CEP250 protein (p.Ala850Thr). The alanine residue is moderately conserved and there is a small physicochemical difference between alanine and threonine. In summary, the available evidence is currently insufficient to determine the role of this variant in disease. Therefore, it has been classified as a Variant of Uncertain Significance. Algorithms developed to predict the effect of missense changes on protein structure and function output the following: SIFT: "Not available"; PolyPhen-2: "Possibly Damaging"; Align-GVGD: "Not available". The threonine amino acid residue is found in multiple mammalian species, suggesting that this missense change does not adversely affect protein function. These predictions have not been confirmed by published functional studies and their clinical significance is uncertain. This variant has not been reported in the literature in individuals with CEP250-related conditions. This variant is not present in population databases (ExAC no frequency).